The following is an entry in ClinVar:

NM_000179.3(MSH6):c.3173-1del

Gene: MSH6 (mutS homolog 6; plus strand). Cytogenetic location: 2p16.3.
Variant type: Deletion.
Coding change: c.3173-1del on transcript NM_000179.3 (MANE Select); the canonical splice acceptor site of the intron before coding-DNA position 3173, one base deleted (G; older notation c.3173-1delG).
Molecular consequence: splice acceptor variant. On other transcripts: intron variant (1).
Genome position (GRCh38, 1-based): chr2:47,803,419, G deleted. VCF-style (leftmost placement, unchanged base first): chr2-47803418-AG-A. GRCh37 (hg19) VCF-style: chr2-48030557-AG-A.
Other names: c.3173-1del (NM_001406809.1, NM_001406796.1, NM_001406808.1 and 1 more transcripts); c.2267-1del (NM_001406811.1, NM_001406814.1, NM_001281493.2 and 6 more transcripts); c.2876-1del (NM_001406805.1, NM_001406797.1, NM_001406801.1 and 10 more transcripts); c.3269-1del (NM_001406795.1, NM_001406802.1); c.3179-1del (NM_001406813.1); c.2648-1del (NM_001406807.1, NM_001406799.1, NM_001406806.1); c.3173-175del (NM_001406798.1); c.2309-1del (NM_001406803.1); and 7 more.
Identifiers: ClinVar variation 1728459 (VCV001728459.3), dbSNP rs2530757487, ClinGen allele CA2580066924.

ClinVar aggregate classification (germline): Likely pathogenic. Review status: criteria provided, multiple submitters, no conflicts (2 of 4 stars). 2 submissions from 2 submitters: Likely pathogenic (2). Last evaluated 2023-08-22.

Conditions:
Hereditary cancer-predisposing syndrome. Also called: Tumor predisposition; Neoplastic Syndromes, Hereditary; Hereditary Cancer Syndrome; Hereditary neoplastic syndrome. Identifiers: Orphanet 140162, MedGen C0027672, MeSH D009386, MONDO:0015356.
Lynch syndrome 5 (LYNCH5). Also called: Colorectal cancer, hereditary nonpolyposis, type 5; Hereditary non-polyposis colorectal cancer, type 5. Identifiers: Orphanet 144, MedGen C1833477, MONDO:0013710, OMIM 614350. Disease mechanism: loss of function.

Submissions (2):

Myriad Genetics, Inc.
Classification: Likely pathogenic for Lynch syndrome 5. Last evaluated: 2023-08-22. Review status: criteria provided, single submitter. Criteria: Myriad Autosomal Dominant, Autosomal Recessive and X-Linked Classification Criteria (2023). Collection method: clinical testing. Allele origin: unknown.
Comment: This variant is considered likely pathogenic. This variant occurs within a consensus splice junction and is predicted to result in abnormal mRNA splicing of either an out-of-frame exon or an in-frame exon necessary for protein stability and/or normal function.

Ambry Genetics
Classification: Likely pathogenic for Hereditary cancer-predisposing syndrome. Last evaluated: 2020-06-29. Review status: criteria provided, single submitter. Criteria: Ambry Variant Classification Scheme 2023. Collection method: clinical testing. Allele origin: germline.
Comment: The c.3173-1delG intronic variant results from a deletion of one nucleotide upstream from coding exon 5 of the MSH6 gene. Using the BDGP and ESEfinder splice site prediction tools, this alteration is predicted to abolish the native splice acceptor site; however, direct evidence is insufficient at this time (Ambry internal data). Alterations that disrupt the canonical splice site are expected to cause aberrant splicing, resulting in an abnormal protein or a transcript that is subject to nonsense-mediated mRNA decay. This nucleotide position is highly conserved in available vertebrate species. This variant was not reported in population-based cohorts in the Genome Aggregation Database (gnomAD). Based on the majority of available evidence to date, this variant is likely to be pathogenic.